The following is an entry in ClinVar:

ClinVar aggregate classification (germline): Conflicting classifications of pathogenicity. Review status: criteria provided, conflicting classifications (1 of 4 stars). 3 submissions from 3 submitters: Uncertain significance (2); Benign (1). Last evaluated 2026-04-06.

Conditions:
Adams-Oliver syndrome 5 (AOS5). Identifiers: Orphanet 974, MedGen C4014970, MONDO:0014459, OMIM 616028.
Familial thoracic aortic aneurysm and aortic dissection (TAAD). Also called: Thoracic aortic aneurysms and dissections. Identifiers: Orphanet 91387, MedGen C4707243, MONDO:0019625.

Allele frequency attached by ClinVar (database versions not stated): gnomAD exomes 0.00001; TOPMed 0.00002; gnomAD 0.00003; ExAC 0.00002.
gnomAD v4.1: 16 of 1,609,936 alleles (0.00099%); highest among the groups gnomAD compares: South Asian, 0.0033%; no homozygotes.

Submissions (3):

Ambry Genetics
Classification: Uncertain significance for Familial thoracic aortic aneurysm and aortic dissection. Last evaluated: 2026-04-06. Review status: criteria provided, single submitter. Criteria: Ambry Variant Classification Scheme 2023. Collection method: clinical testing. Allele origin: germline.
Comment: The p.D1224N variant (also known as c.3670G>A), located in coding exon 23 of the NOTCH1 gene, results from a G to A substitution at nucleotide position 3670. The aspartic acid at codon 1224 is replaced by asparagine, an amino acid with highly similar properties. This amino acid position is highly conserved in available vertebrate species. In addition, the in silico prediction for this alteration is inconclusive. Based on the available evidence, the clinical significance of this variant remains unclear.

Labcorp Genetics (formerly Invitae), Labcorp
Classification: Benign for Adams-Oliver syndrome 5. Last evaluated: 2025-10-13. Review status: criteria provided, single submitter. Criteria: Invitae Variant Classification Sherloc (09022015). Collection method: clinical testing. Allele origin: germline.

GeneDx
Classification: Uncertain significance. Last evaluated: 2020-07-06. Review status: criteria provided, single submitter. Criteria: GeneDx Variant Classification Process June 2021. Collection method: clinical testing. Allele origin: germline. Affected: yes.
Comment: Has not been previously published as pathogenic or benign to our knowledge; Not observed at a significant frequency in large population cohorts (Lek et al., 2016); In silico analysis supports that this missense variant has a deleterious effect on protein structure/function

NM_017617.5(NOTCH1):c.3670G>A (p.Asp1224Asn)

Gene: NOTCH1 (notch receptor 1; minus strand). Cytogenetic location: 9q34.3.
Variant type: single nucleotide variant.
Coding change: c.3670G>A on transcript NM_017617.5 (MANE Select); coding-DNA position 3670, G replaced by A.
Protein change: p.Asp1224Asn; replaces aspartic acid 1224 with asparagine.
Molecular consequence: missense variant.
Genome position (GRCh38, 1-based): chr9:136,506,947, C>T on the plus strand (G>A on the coding strand, the complement: NOTCH1 is on the minus strand). VCF-style: chr9-136506947-C-T. GRCh37 (hg19) VCF-style: chr9-139401399-C-T.
Other names: short protein forms D1224N.
Identifiers: ClinVar variation 1313050 (VCV001313050.4), dbSNP rs757508359, ClinGen allele CA5340828.